The following is an entry in ClinVar:

ClinVar aggregate classification (germline): Pathogenic (1 of 4 stars; one submission).

Conditions:
Telangiectasia, hereditary hemorrhagic, type 2 (HHT2). Also called: Telangiectasia, hereditary hemorrhagic, type II; ACVRL1-Related Hereditary Hemorrhagic Telangiectasia. Identifiers: Orphanet 774, MedGen C1838163, MONDO:0010880, OMIM 600376. Disease mechanism: loss of function.

Submission:

Labcorp Genetics (formerly Invitae), Labcorp
Classification: Pathogenic for Telangiectasia, hereditary hemorrhagic, type 2. Last evaluated: 2025-08-18. Review status: criteria provided, single submitter. Criteria: Invitae Variant Classification Sherloc (09022015). Collection method: clinical testing. Allele origin: germline.
Comment: This sequence change replaces cysteine, which is neutral and slightly polar, with glycine, which is neutral and non-polar, at codon 443 of the ACVRL1 protein (p.Cys443Gly). This variant is not present in population databases (gnomAD no frequency). This missense change has been observed in individual(s) with clinical features of hereditary hemorrhagic telangiectasia (internal data). ClinVar contains an entry for this variant (Variation ID: 2810923). Invitae Evidence Modeling of protein sequence and biophysical properties (such as structural, functional, and spatial information, amino acid conservation, physicochemical variation, residue mobility, and thermodynamic stability) indicates that this missense variant is expected to disrupt ACVRL1 protein function with a positive predictive value of 95%. This variant disrupts the p.Cys443 amino acid residue in ACVRL1. Other variant(s) that disrupt this residue have been observed in individuals with ACVRL1-related conditions (PMID: 26176610, 34872578), which suggests that this may be a clinically significant amino acid residue. For these reasons, this variant has been classified as Pathogenic.

Literature cited by the submitters: PubMed 26176610; PubMed 34872578.

NM_000020.3(ACVRL1):c.1327T>G (p.Cys443Gly)

Gene: ACVRL1 (activin A receptor like type 1; plus strand). Cytogenetic location: 12q13.13.
Variant type: single nucleotide variant.
Coding change: c.1327T>G on transcript NM_000020.3 (MANE Select); coding-DNA position 1327, T replaced by G.
Protein change: p.Cys443Gly; replaces cysteine 443 with glycine.
Molecular consequence: missense variant.
Genome position (GRCh38, 1-based): chr12:51,919,065, T>G. VCF-style: chr12-51919065-T-G. GRCh37 (hg19) VCF-style: chr12-52312849-T-G.
Other names: c.1327T>G, p.Cys443Gly (NM_001077401.2, NM_001406487.1, NM_001406488.1 and 1 more transcripts); c.1171T>G, p.Cys391Gly (NM_001406490.1); c.1015T>G, p.Cys339Gly (NM_001406491.1, NM_001406492.1, NM_001406493.1); c.817T>G, p.Cys273Gly (NM_001406494.1); c.763T>G, p.Cys255Gly (NM_001406495.1); short protein forms C273G, C339G, C255G, C391G, C443G.
Identifiers: ClinVar variation 2810923 (VCV002810923.3), dbSNP rs2540170764, ClinGen allele CA384904141.